The following is an entry in ClinVar:

NM_015465.5(GEMIN5):c.2035C>T (p.Arg679Ter)

Gene: GEMIN5 (gem nuclear organelle associated protein 5; minus strand). Cytogenetic location: 5q33.2.
Variant type: single nucleotide variant.
Coding change: c.2035C>T on transcript NM_015465.5 (MANE Select); coding-DNA position 2035, C replaced by T.
Protein change: p.Arg679Ter; replaces arginine 679 with a stop codon.
Molecular consequence: nonsense.
Genome position (GRCh38, 1-based): chr5:154,911,859, G>A on the plus strand (C>T on the coding strand, the complement: GEMIN5 is on the minus strand). VCF-style: chr5-154911859-G-A. GRCh37 (hg19) VCF-style: chr5-154291419-G-A.
Other names: c.2032C>T, p.Arg678Ter (NM_001252156.2); short protein forms R678*, R679*.
Identifiers: ClinVar variation 4759256 (VCV004759256.1).

ClinVar aggregate classification (germline): Likely pathogenic (1 of 4 stars; one submission).

Conditions:
Neurodevelopmental disorder with cerebellar atrophy and motor dysfunction. Identifiers: MedGen C5543427, MONDO:0859152, OMIM 619333.

gnomAD v4.1: 16 of 1,613,964 alleles (0.00099%); highest among the groups gnomAD compares: Admixed American, 0.0067%; no homozygotes.

Submission:

Variantyx, Inc.
Classification: Likely pathogenic for Neurodevelopmental disorder with cerebellar atrophy and motor dysfunction. Last evaluated: 2025-03-18. Review status: criteria provided, single submitter. Criteria: Variantyx Assertion Criteria 2022. Collection method: clinical testing. Allele origin: germline.
Comment: This is a nonsense variant in the GEMIN5 gene (OMIM: 607005). Pathogenic variants in this gene have been associated with autosomal recessive neurodevelopmental disorder with cerebellar atrophy and motor dysfunction. This variant introduces a premature termination codon in exon 15 out of 28. It is expected to result in loss of function, which is a known disease mechanism for GEMIN5 in this disorder (PMID: 33963192, 34569062) (PVS1). This variant has a 0.0067% maximum allele frequency in non-founder control populations (PM2_Supporting). This variant has not been reported in individuals with GEMIN5-related disorders in the databases available for review. Based on the current evidence, this variant is classified as likely pathogenic for autosomal recessive neurodevelopmental disorder with cerebellar atrophy and motor dysfunction.